The following is an entry in ClinVar:

NM_080680.3(COL11A2):c.1750C>T (p.Pro584Ser)

Gene: COL11A2 (collagen type XI alpha 2 chain; minus strand). Cytogenetic location: 6p21.32.
Variant type: single nucleotide variant.
Coding change: c.1750C>T on transcript NM_080680.3 (MANE Select); coding-DNA position 1750, C replaced by T.
Protein change: p.Pro584Ser; replaces proline 584 with serine.
Molecular consequence: missense variant.
Genome position (GRCh38, 1-based): chr6:33,178,458, G>A on the plus strand (C>T on the coding strand, the complement: COL11A2 is on the minus strand). VCF-style: chr6-33178458-G-A. GRCh37 (hg19) VCF-style: chr6-33146235-G-A.
Other names: c.1750C>T (NM_080680.2); c.1429C>T, p.Pro477Ser (NM_080679.3); c.1492C>T, p.Pro498Ser (NM_080681.3); short protein forms P477S, P498S, P584S.
Identifiers: ClinVar variation 1367194 (VCV001367194.6), dbSNP rs1227766373, ClinGen allele CA363657913.

ClinVar aggregate classification (germline): Uncertain significance. Review status: criteria provided, multiple submitters, no conflicts (2 of 4 stars). 2 submissions from 2 submitters: Uncertain significance (2). Last evaluated 2025-09-05.

Conditions:
Inborn genetic diseases. Identifiers: MedGen C0950123, MeSH D030342.

Allele frequency attached by ClinVar (database versions not stated): gnomAD exomes 0.00001.

Submissions (2):

Ambry Genetics
Classification: Uncertain significance for Inborn genetic diseases. Last evaluated: 2025-09-05. Review status: criteria provided, single submitter. Criteria: Ambry Variant Classification Scheme 2023. Collection method: clinical testing. Allele origin: germline.

Labcorp Genetics (formerly Invitae), Labcorp
Classification: Uncertain significance. Last evaluated: 2025-05-29. Review status: criteria provided, single submitter. Criteria: Invitae Variant Classification Sherloc (09022015). Collection method: clinical testing. Allele origin: germline.
Comment: This sequence change replaces proline, which is neutral and non-polar, with serine, which is neutral and polar, at codon 584 of the COL11A2 protein (p.Pro584Ser). This variant is not present in population databases (gnomAD no frequency). This variant has not been reported in the literature in individuals affected with COL11A2-related conditions. ClinVar contains an entry for this variant (Variation ID: 1367194). Invitae Evidence Modeling of protein sequence and biophysical properties (such as structural, functional, and spatial information, amino acid conservation, physicochemical variation, residue mobility, and thermodynamic stability) indicates that this missense variant is not expected to disrupt COL11A2 protein function with a negative predictive value of 95%. In summary, the available evidence is currently insufficient to determine the role of this variant in disease. Therefore, it has been classified as a Variant of Uncertain Significance.